The following is an entry in ClinVar:

ClinVar aggregate classification (germline): Uncertain significance (1 of 4 stars; one submission).

Conditions:
Norman-Roberts syndrome (LIS2). Also called: Lissencephaly 2 (Norman-Roberts type). Identifiers: Orphanet 89844, MedGen C0796089, MONDO:0009760, OMIM 257320.
Familial temporal lobe epilepsy 7. Identifiers: Orphanet 101046, MedGen C4225327, MONDO:0014639, OMIM 616436.

Allele frequency attached by ClinVar (database versions not stated): TOPMed below 0.00001.

Submission:

Labcorp Genetics (formerly Invitae), Labcorp
Classification: Uncertain significance for Familial temporal lobe epilepsy 7; Norman-Roberts syndrome. Last evaluated: 2025-06-19. Review status: criteria provided, single submitter. Criteria: Invitae Variant Classification Sherloc (09022015). Collection method: clinical testing. Allele origin: germline.
Comment: This sequence change replaces asparagine, which is neutral and polar, with lysine, which is basic and polar, at codon 549 of the RELN protein (p.Asn549Lys). This variant is not present in population databases (gnomAD no frequency). This variant has not been reported in the literature in individuals affected with RELN-related conditions. ClinVar contains an entry for this variant (Variation ID: 1366191). Invitae Evidence Modeling of protein sequence and biophysical properties (such as structural, functional, and spatial information, amino acid conservation, physicochemical variation, residue mobility, and thermodynamic stability) indicates that this missense variant is not expected to disrupt RELN protein function with a negative predictive value of 80%. In summary, the available evidence is currently insufficient to determine the role of this variant in disease. Therefore, it has been classified as a Variant of Uncertain Significance.

NM_005045.4(RELN):c.1647T>A (p.Asn549Lys)

Gene: RELN (reelin; minus strand). Cytogenetic location: 7q22.1.
Variant type: single nucleotide variant.
Coding change: c.1647T>A on transcript NM_005045.4 (MANE Select); coding-DNA position 1647, T replaced by A.
Protein change: p.Asn549Lys; replaces asparagine 549 with lysine.
Molecular consequence: missense variant.
Genome position (GRCh38, 1-based): chr7:103,652,667, A>T on the plus strand (T>A on the coding strand, the complement: RELN is on the minus strand). VCF-style: chr7-103652667-A-T. GRCh37 (hg19) VCF-style: chr7-103293114-A-T.
Other names: c.1647T>A, p.Asn549Lys (NM_173054.3); short protein forms N549K.
Identifiers: ClinVar variation 1366191 (VCV001366191.6), dbSNP rs1832945895, ClinGen allele CA368765714.